The following is an entry in ClinVar:

ClinVar aggregate classification (germline): Uncertain significance (1 of 4 stars; one submission).

Conditions:
Growth delay due to insulin-like growth factor I resistance. Also called: Insulin-Like Growth Factor I Resistance; Somatomedin end-organ insensitivity to; Somatomedin-c resistance to; IGF-1 resistance; IGF-I RESISTANCE. Identifiers: Orphanet 73273, MedGen C1849157, MONDO:0010038, OMIM 270450.

Allele frequency attached by ClinVar (database versions not stated): gnomAD 0.00001; gnomAD exomes 0.00001; TOPMed 0.00001.
gnomAD v4.1: 14 of 1,612,184 alleles (0.00087%); highest among the groups gnomAD compares: Admixed American, 0.0017%; no homozygotes.

Submission:

Dr. med. U. Finckh, Human Genetics, Eurofins MVZ
Classification: Uncertain significance for Growth delay due to insulin-like growth factor I resistance. Review status: criteria provided, single submitter. Criteria: ACMG Guidelines, 2015. Collection method: clinical testing. Allele origin: maternal. Affected: yes.

NM_000875.5(IGF1R):c.2869G>A (p.Val957Ile)

Gene: IGF1R (insulin like growth factor 1 receptor; plus strand). Cytogenetic location: 15q26.3.
Variant type: single nucleotide variant.
Coding change: c.2869G>A on transcript NM_000875.5 (MANE Select); coding-DNA position 2869, G replaced by A.
Protein change: p.Val957Ile; replaces valine 957 with isoleucine.
Molecular consequence: missense variant.
Genome position (GRCh38, 1-based): chr15:98,929,644, G>A. VCF-style: chr15-98929644-G-A. GRCh37 (hg19) VCF-style: chr15-99472873-G-A.
Other names: c.2866G>A, p.Val956Ile (NM_001291858.2); short protein forms V956I, V957I.
Identifiers: ClinVar variation 2505572 (VCV002505572.1), dbSNP rs1320984804, ClinGen allele CA393682892.
Genomic context (GRCh38, chr15:98,929,644, plus strand): 5'-ATCATCGCTCTGCCCGTCGCTGTCCTGTTGATCGTGGGAGGGTTGGTGATTATGCTGTAC[G>A]TCTTCCATAGAAAGAGGTCAGTGATGTGCAAAGTTATGACACTTTCTGTGGCTGAGTGGT-3'
Protein context (NP_000866.1, residues 947-967): IVGGLVIMLY[Val957Ile]FHRKRNNSRL